The following is an entry in ClinVar:

ClinVar aggregate classification (germline): Uncertain significance (1 of 4 stars; one submission).

Submission:

Labcorp Genetics (formerly Invitae), Labcorp
Classification: Uncertain significance. Last evaluated: 2022-07-30. Review status: criteria provided, single submitter. Criteria: Invitae Variant Classification Sherloc (09022015). Collection method: clinical testing. Allele origin: germline.
Comment: In summary, the available evidence is currently insufficient to determine the role of this variant in disease. Therefore, it has been classified as a Variant of Uncertain Significance. Algorithms developed to predict the effect of missense changes on protein structure and function (SIFT, PolyPhen-2, Align-GVGD) all suggest that this variant is likely to be tolerated. This variant has not been reported in the literature in individuals affected with PROSC-related conditions. This variant is not present in population databases (gnomAD no frequency). This sequence change replaces aspartic acid, which is acidic and polar, with glycine, which is neutral and non-polar, at codon 259 of the PROSC protein (p.Asp259Gly).

NM_007198.4(PLPBP):c.776A>G (p.Asp259Gly)

Gene: PLPBP (pyridoxal phosphate binding protein; plus strand). Cytogenetic location: 8p11.23.
Variant type: single nucleotide variant.
Coding change: c.776A>G on transcript NM_007198.4 (MANE Select); coding-DNA position 776, A replaced by G.
Protein change: p.Asp259Gly; replaces aspartic acid 259 with glycine.
Molecular consequence: missense variant.
Genome position (GRCh38, 1-based): chr8:37,778,052, A>G. VCF-style: chr8-37778052-A-G. GRCh37 (hg19) VCF-style: chr8-37635570-A-G.
Other names: c.806A>G, p.Asp269Gly (NM_001349346.2); c.770A>G, p.Asp257Gly (NM_001349347.2); c.620A>G, p.Asp207Gly (NM_001349348.2); short protein forms D259G, D257G, D207G, D269G.
Identifiers: ClinVar variation 2020673 (VCV002020673.4), dbSNP rs754558638, ClinGen allele CA370669013.
Genomic context (GRCh38, chr8:37,778,052, plus strand): 5'-ATGTCCGAATAGGAAGCACGATTTTTGGAGAGCGGGATTACTCAAAGAAACCCACCCCGG[A>G]CAAGTGCGCAGCAGACGTGAAGGCCCCGCTGGAGGTGGCACAGGAGCACTGAGCCAGGGA-3'
Protein context (NP_009129.1, residues 249-269): ERDYSKKPTP[Asp259Gly]KCAADVKAPL